The following is an entry in ClinVar:

NM_015272.5(RPGRIP1L):c.638A>G (p.Asn213Ser)

Gene: RPGRIP1L (RPGRIP1 like; minus strand). Cytogenetic location: 16q12.2.
Variant type: single nucleotide variant.
Coding change: c.638A>G on transcript NM_015272.5 (MANE Select); coding-DNA position 638, A replaced by G.
Protein change: p.Asn213Ser; replaces asparagine 213 with serine.
Molecular consequence: missense variant.
Genome position (GRCh38, 1-based): chr16:53,686,571, T>C on the plus strand (A>G on the coding strand, the complement: RPGRIP1L is on the minus strand). VCF-style: chr16-53686571-T-C. GRCh37 (hg19) VCF-style: chr16-53720483-T-C.
Other names: c.638A>G, p.Asn213Ser (NM_001127897.4, NM_001308334.3, NM_001330538.2); short protein forms N213S.
Identifiers: ClinVar variation 1345578 (VCV001345578.8), dbSNP rs2151318519, ClinGen allele CA395924337.
Genomic context (GRCh38, chr16:53,686,571, plus strand): 5'-TTCAGGATCTCAGCCAAGTGCTCTAACTCCTCTATCTGGCCTCTTTGTGACTGAATAACG[T>C]TTTCTCTGAAATAAAGAGCCTCTGTAAGAACTTGTAGTTTGAGGAAAATTTTTCAATAGT-3'
Protein context (NP_056087.2, residues 203-223): EARGEIRNLE[Asn213Ser]VIQSQRGQIE

ClinVar aggregate classification (germline): Uncertain significance (1 of 4 stars; one submission).

Conditions:
Joubert syndrome. Also called: CEREBELLOPARENCHYMAL DISORDER IV; JOUBERT-BOLTSHAUSER SYNDROME; Familial aplasia of the vermis. Identifiers: Orphanet 475, MedGen C5979921, MONDO:0018772.
Meckel-Gruber syndrome. Also called: DYSENCEPHALIA SPLANCHNOCYSTICA; GRUBER SYNDROME; Dysencephalia splachnocystica. Identifiers: Orphanet 564, MedGen C0265215, MONDO:0018921.

gnomAD v4.1: 4 of 1,613,538 alleles (0.00025%); highest among the groups gnomAD compares: South Asian, 0.0044%; no homozygotes.

Submission:

Labcorp Genetics (formerly Invitae), Labcorp
Classification: Uncertain significance for Joubert syndrome; Meckel-Gruber syndrome. Last evaluated: 2024-08-30. Review status: criteria provided, single submitter. Criteria: Invitae Variant Classification Sherloc (09022015). Collection method: clinical testing. Allele origin: germline.
Comment: This sequence change replaces asparagine, which is neutral and polar, with serine, which is neutral and polar, at codon 213 of the RPGRIP1L protein (p.Asn213Ser). This variant is not present in population databases (gnomAD no frequency). This variant has not been reported in the literature in individuals affected with RPGRIP1L-related conditions. ClinVar contains an entry for this variant (Variation ID: 1345578). Invitae Evidence Modeling of protein sequence and biophysical properties (such as structural, functional, and spatial information, amino acid conservation, physicochemical variation, residue mobility, and thermodynamic stability) indicates that this missense variant is not expected to disrupt RPGRIP1L protein function with a negative predictive value of 80%. In summary, the available evidence is currently insufficient to determine the role of this variant in disease. Therefore, it has been classified as a Variant of Uncertain Significance.